The following is an entry in ClinVar:

NM_016507.4(CDK12):c.966A>G (p.Arg322=)

Genes: CDK12 (cyclin dependent kinase 12; plus strand), LOC126862553 (CDK7 strongly-dependent group 2 enhancer GRCh37_chr17:37618166-37619365; plus strand). Cytogenetic location: 17q12.
Variant type: single nucleotide variant.
Coding change: c.966A>G on transcript NM_016507.4 (MANE Select); coding-DNA position 966, A replaced by G.
Protein change: p.Arg322=; no amino-acid change (arginine 322 retained).
Molecular consequence: synonymous variant.
Genome position (GRCh38, 1-based): chr17:39,463,037, A>G. VCF-style: chr17-39463037-A-G. GRCh37 (hg19) VCF-style: chr17-37619290-A-G.
Other names: NP_057591.2:p.Arg322=; c.966A>G, p.Arg322= (NM_015083.4); c.966A>G (NM_016507.2, NM_016507.3).
Identifiers: ClinVar variation 1678981 (VCV001678981.4), dbSNP rs138760396, ClinGen allele CA8531056.

ClinVar aggregate classification (germline): Likely benign. Review status: criteria provided, multiple submitters, no conflicts (2 of 4 stars). 3 submissions from 3 submitters: Likely benign (2). 1 of the submissions does not count toward it. Last evaluated 2024-11-18.

Conditions:
CDK12-related disorder. Also called: CDK12-related condition.
Hereditary breast ovarian cancer syndrome. Also called: Hereditary breast and ovarian cancer syndrome; BRCA1- and BRCA2-Associated Hereditary Breast and Ovarian Cancer; Hereditary breast and ovarian cancer syndrome (HBOC); Hereditary breast and/or ovarian cancer syndrome; Breast and ovarian cancer; Hereditary breast and ovarian cancer. Identifiers: Orphanet 145, MedGen C0677776, MeSH D061325, MONDO:0003582. Disease mechanism: loss of function.

Allele frequency attached by ClinVar (database versions not stated): gnomAD exomes 0.00009 and 0.00025; ExAC 0.00024; ESP Exome Variant Server 0.00077; gnomAD 0.00096 and 0.00104; TOPMed 0.00099; 1000 Genomes Project 0.00100; 1000 Genomes Project 30x 0.00109.
gnomAD v4.1: 286 of 1,614,132 alleles (0.018%); highest among the groups gnomAD compares: African/African-American, 0.33%; 2 homozygotes.

Submissions (3):

Ambry Genetics
Classification: Likely benign. Last evaluated: 2024-11-18. Review status: criteria provided, single submitter. Criteria: Ambry Variant Classification Scheme 2023. Collection method: clinical testing. Allele origin: germline.

National Health Laboratory Service, Universitas Academic Hospital and University of the Free State
Classification: Likely benign for Hereditary breast ovarian cancer syndrome. Last evaluated: 2022-04-19. Review status: criteria provided, single submitter. Criteria: ACMG Guidelines, 2015. Collection method: clinical testing. Allele origin: germline. Affected: yes. Observed: 3 variant alleles.

PreventionGenetics, part of Exact Sciences
Classification: Likely benign for CDK12-related condition. Last evaluated: 2019-10-28. Review status: no assertion criteria provided. Collection method: clinical testing. Allele origin: germline. Not counted in ClinVar's aggregate classification.
Comment: This variant is classified as likely benign based on ACMG/AMP sequence variant interpretation guidelines (Richards et al. 2015 PMID: 25741868, with internal and published modifications).